The following is an entry in ClinVar:

NM_000368.5(TSC1):c.373G>A (p.Asp125Asn)

Gene: TSC1 (TSC complex subunit 1; minus strand). Cytogenetic location: 9q34.13.
Variant type: single nucleotide variant.
Coding change: c.373G>A on transcript NM_000368.5 (MANE Select); coding-DNA position 373, G replaced by A.
Protein change: p.Asp125Asn; replaces aspartic acid 125 with asparagine.
Molecular consequence: missense variant.
Genome position (GRCh38, 1-based): chr9:132,923,483, C>T on the plus strand (G>A on the coding strand, the complement: TSC1 is on the minus strand). VCF-style: chr9-132923483-C-T. GRCh37 (hg19) VCF-style: chr9-135798870-C-T.
Other names: c.373G>A, p.Asp125Asn (NM_001162426.2, NM_001406592.1, NM_001406593.1 and 16 more transcripts); c.220G>A, p.Asp74Asn (NM_001162427.2, NM_001406610.1, NM_001406611.1 and 2 more transcripts); c.10G>A, p.Asp4Asn (NM_001362177.2, NM_001406614.1, NM_001406615.1 and 10 more transcripts); c.-505G>A (NM_001406626.1, NM_001406627.1, NM_001406628.1); c.-647G>A (NM_001406629.1); c.-721G>A (NM_001406630.1); short protein forms D125N, D4N, D74N.
Identifiers: ClinVar variation 1734460 (VCV001734460.2), dbSNP rs2132193840, ClinGen allele CA375373732.
Genomic context (GRCh38, chr9:132,923,483, plus strand): 5'-GTGGAATCATTGGTAGCATGGTTATCAACACCAAGACGCCTGTTGTGAGGACAACGACGT[C>T]AGTGTCCATCTGCAGGAGAAAAGGTCAAACAGGAAACGTCTGTCAGGCACTGGCACCAGG-3'
Protein context (NP_000359.1, residues 115-135): SLLKCLKMDT[Asp125Asn]VVVLTTGVLV

ClinVar aggregate classification (germline): Uncertain significance (1 of 4 stars; one submission).

Conditions:
Hereditary cancer-predisposing syndrome. Also called: Neoplastic Syndromes, Hereditary; Tumor predisposition; Hereditary Cancer Syndrome; Hereditary neoplastic syndrome. Identifiers: Orphanet 140162, MedGen C0027672, MeSH D009386, MONDO:0015356.

Submission:

Ambry Genetics
Classification: Uncertain significance for Hereditary cancer-predisposing syndrome. Last evaluated: 2022-10-27. Review status: criteria provided, single submitter. Criteria: Ambry Variant Classification Scheme 2023. Collection method: clinical testing. Allele origin: germline.
Comment: The p.D125N variant (also known as c.373G>A), located in coding exon 4 of the TSC1 gene, results from a G to A substitution at nucleotide position 373. The aspartic acid at codon 125 is replaced by asparagine, an amino acid with highly similar properties. This amino acid position is conserved. In addition, the in silico prediction for this alteration is inconclusive. Since supporting evidence is limited at this time, the clinical significance of this alteration remains unclear.